The following is an entry in ClinVar:

ClinVar aggregate classification (germline): Benign (1 of 4 stars; one submission).

Conditions:
Leigh syndrome (NULS). Also called: Leigh's necrotizing encephalopathy; Leigh's disease; Leigh Syndrome (mtDNA deletion); Leigh Disease; Subacute necrotizing encephalopathy; Necrotizing encephalopathy infantile subacute of Leigh. Identifiers: Orphanet 506, MedGen C2931891, MONDO:0009723, OMIM 256000.

Submission:

Wong Mito Lab, Molecular and Human Genetics, Baylor College of Medicine
Classification: Benign for Leigh syndrome. Last evaluated: 2019-10-17. Review status: criteria provided, single submitter. Criteria: Modified ACMG Guidelines (Unpublished). Collection method: clinical testing. Allele origin: germline.
Comment: The NC_012920.1:m.11255T>C (YP_003024035.1:p.Tyr166His) variant in MTND4 gene is interpretated to be a Benign variant based on the modified ACMG guidelines (unpublished). This variant meets the following evidence codes: BS1, BS2, BP4

NC_012920.1(MT-ND4):m.11255T>C

Gene: MT-ND4 (mitochondrially encoded NADH dehydrogenase 4; plus strand).
Variant type: single nucleotide variant.
Genome position: chrM-11255-T-C.
Identifiers: ClinVar variation 693357 (VCV000693357.1), dbSNP rs1556423916, ClinGen allele CA414809789.